The following is an entry in ClinVar:

NM_003024.3(ITSN1):c.3029T>G (p.Met1010Arg)

Gene: ITSN1 (intersectin 1; plus strand). Cytogenetic location: 21q22.11.
Variant type: single nucleotide variant.
Coding change: c.3029T>G on transcript NM_003024.3 (MANE Select); coding-DNA position 3029, T replaced by G.
Protein change: p.Met1010Arg; replaces methionine 1010 with arginine.
Molecular consequence: missense variant. On other transcripts: intron variant (2).
Genome position (GRCh38, 1-based): chr21:33,823,499, T>G. VCF-style: chr21-33823499-T-G. GRCh37 (hg19) VCF-style: chr21-35195803-T-G.
Other names: c.3029T>G, p.Met1010Arg (NM_001001132.2); c.3014T>G, p.Met1005Arg (NM_001331009.2, NM_001331010.2); c.2903T>G, p.Met968Arg (NM_001331012.2); c.3016+4176T>G (NM_001331008.2); c.3001+4176T>G (NM_001331011.2); short protein forms M1005R, M1010R, M968R.
Identifiers: ClinVar variation 4858536 (VCV004858536.1).

ClinVar aggregate classification (germline): Uncertain significance (1 of 4 stars; one submission).

Conditions:
Inborn genetic diseases. Identifiers: MedGen C0950123, MeSH D030342.

Submission:

Ambry Genetics
Classification: Uncertain significance for Inborn genetic diseases. Last evaluated: 2026-05-10. Review status: criteria provided, single submitter. Criteria: Ambry Variant Classification Scheme 2023. Collection method: clinical testing. Allele origin: germline.
Comment: The c.3029T>G (p.M1010R) alteration is located in exon 25 (coding exon 24) of the ITSN1 gene. This alteration results from a T to G substitution at nucleotide position 3029, causing the methionine (M) at amino acid position 1010 to be replaced by an arginine (R). Based on data from gnomAD, the G allele has an overall frequency of <0.001% (1/251178) total alleles studied. The highest observed frequency was 0.003% (1/34560) of Latino alleles. Based on insufficient or conflicting evidence, the clinical significance of this alteration remains unclear.